The following is an entry in ClinVar:

ClinVar aggregate classification (germline): Likely pathogenic (1 of 4 stars; one submission).

Conditions:
Marfan syndrome (MFS). Also called: MARFAN SYNDROME, TYPE I; FBN1-Related Marfan Syndrome; Marfan syndrome type 1; Marfan's syndrome; Marfan syndrome, classic. Identifiers: Orphanet 284963, Orphanet 558, MedGen C0024796, MONDO:0007947, OMIM 154700.

Submission:

Petrovsky National Research Centre of Surgery, The Federal Agency for Scientific Organizations
Classification: Likely pathogenic for Marfan syndrome. Last evaluated: 2019-08-01. Review status: criteria provided, single submitter. Criteria: ACMG Guidelines, 2015. Collection method: clinical testing. Allele origin: unknown. Inheritance: Autosomal dominant inheritance. Affected: yes. Observed: 1 heterozygote.
Comment: The c.5329T>C(p.Cys1777Arg) variant is absent in large population studies. There is a known other AA substitution (p.Cys1777Tyr) but at a next position (c.5330G>A), which has been reported in ClinVar (rs1060501069, Variation ID:406341) with a well-established evidences on Likely pathogenic classification of amino acid substitution. Cysteine is located in very conservative residue of EGF-like domain of Fibrillin-1. Alterations in such domains result in mutation with high disease-cause chances (DOI:10.1002/humu.1380010504). Additionally, computational results of NetGene2, Provean, SIFT, PolyPhen2 for Cys1777Arg show damaging effect. Based on this evidences we evaluate c.5329T>C/N (p.Cys1777Arg) as likely pathogenic. Functional study deemed necessary.

NM_000138.5(FBN1):c.5329T>C (p.Cys1777Arg)

Gene: FBN1 (fibrillin 1; minus strand). Cytogenetic location: 15q21.1.
Variant type: single nucleotide variant.
Coding change: c.5329T>C on transcript NM_000138.5 (MANE Select); coding-DNA position 5329, T replaced by C.
Protein change: p.Cys1777Arg; replaces cysteine 1777 with arginine.
Molecular consequence: missense variant.
Genome position (GRCh38, 1-based): chr15:48,456,730, A>G on the plus strand (T>C on the coding strand, the complement: FBN1 is on the minus strand). VCF-style: chr15-48456730-A-G. GRCh37 (hg19) VCF-style: chr15-48748927-A-G.
Other names: short protein forms C1777R.
Identifiers: ClinVar variation 690486 (VCV000690486.3), dbSNP rs1597540907, ClinGen allele CA392346325.